The following is an entry in ClinVar:

NM_206937.2(LIG4):c.1792G>A (p.Asp598Asn)

Gene: LIG4 (DNA ligase 4; minus strand). Cytogenetic location: 13q33.3.
Variant type: single nucleotide variant.
Coding change: c.1792G>A on transcript NM_206937.2 (MANE Select); coding-DNA position 1792, G replaced by A.
Protein change: p.Asp598Asn; replaces aspartic acid 598 with asparagine.
Molecular consequence: missense variant.
Genome position (GRCh38, 1-based): chr13:108,209,477, C>T on the plus strand (G>A on the coding strand, the complement: LIG4 is on the minus strand). VCF-style: chr13-108209477-C-T. GRCh37 (hg19) VCF-style: chr13-108861825-C-T.
Other names: c.1792G>A, p.Asp598Asn (NM_001098268.2, NM_001352598.2, NM_001352599.2 and 6 more transcripts); c.1591G>A, p.Asp531Asn (NM_001330595.2); c.1828G>A, p.Asp610Asn (NM_001352604.2); short protein forms D531N, D598N, D610N.
Identifiers: ClinVar variation 861994 (VCV000861994.8), dbSNP rs372708277, ClinGen allele CA7043613.
Genomic context (GRCh38, chr13:108,209,477, plus strand): 5'-CTATATAAAGGTGTTTAGATGCGAGCTTACCAGATGCCTTCCCCCTAAGTTGTTCTAGGT[C>T]GTCCAGGGTCATGCACTCATGCCACTCCTTGTCATCTCTTATCTTTTCAATTCGTGGAAA-3'
Protein context (NP_996820.1, residues 588-608): KEWHECMTLD[Asp598Asn]LEQLRGKASG

ClinVar aggregate classification (germline): Uncertain significance (1 of 4 stars; one submission).

Conditions:
DNA ligase IV deficiency. Identifiers: Orphanet 99812, MedGen C1847827, MONDO:0011686, OMIM 606593.

Allele frequency attached by ClinVar (database versions not stated): gnomAD 0.00002; TOPMed 0.00003; ExAC 0.00006; gnomAD exomes 0.00006; ESP Exome Variant Server 0.00008.

Submission:

Labcorp Genetics (formerly Invitae), Labcorp
Classification: Uncertain significance for DNA ligase IV deficiency. Last evaluated: 2025-03-25. Review status: criteria provided, single submitter. Criteria: Invitae Variant Classification Sherloc (09022015). Collection method: clinical testing. Allele origin: germline.
Comment: This sequence change replaces aspartic acid, which is acidic and polar, with asparagine, which is neutral and polar, at codon 598 of the LIG4 protein (p.Asp598Asn). This variant is present in population databases (rs372708277, gnomAD 0.01%). This variant has not been reported in the literature in individuals affected with LIG4-related conditions. ClinVar contains an entry for this variant (Variation ID: 861994). Invitae Evidence Modeling of protein sequence and biophysical properties (such as structural, functional, and spatial information, amino acid conservation, physicochemical variation, residue mobility, and thermodynamic stability) has been performed for this missense variant. However, the output from this modeling did not meet the statistical confidence thresholds required to predict the impact of this variant on LIG4 protein function. In summary, the available evidence is currently insufficient to determine the role of this variant in disease. Therefore, it has been classified as a Variant of Uncertain Significance.